The following is an entry in ClinVar:

ClinVar aggregate classification (germline): Likely benign (1 of 4 stars; one submission).

gnomAD v4.1: 21 of 1,613,766 alleles (0.0013%); highest among the groups gnomAD compares: African/African-American, 0.0094%; no homozygotes.

Submission:

CeGaT Center for Human Genetics Tuebingen
Classification: Likely benign. Last evaluated: 2025-03-01. Review status: criteria provided, single submitter. Criteria: CeGaT Center For Human Genetics Tuebingen Variant Classification Criteria Version 2. Collection method: clinical testing. Allele origin: germline. Affected: yes. Observed: 1 variant allele.
Comment: FILIP1: BP4, BP7

NM_015687.5(FILIP1):c.1026C>T (p.Ile342=)

Gene: FILIP1 (filamin A interacting protein 1; minus strand). Cytogenetic location: 6q14.1.
Variant type: single nucleotide variant.
Coding change: c.1026C>T on transcript NM_015687.5 (MANE Select); coding-DNA position 1026, C replaced by T.
Protein change: p.Ile342=; no amino-acid change (isoleucine 342 retained).
Molecular consequence: synonymous variant.
Genome position (GRCh38, 1-based): chr6:75,314,806, G>A on the plus strand (C>T on the coding strand, the complement: FILIP1 is on the minus strand). VCF-style: chr6-75314806-G-A. GRCh37 (hg19) VCF-style: chr6-76024522-G-A.
Other names: c.1035C>T, p.Ile345= (NM_001289987.3); c.1026C>T, p.Ile342= (NM_001300866.3).
Identifiers: ClinVar variation 3778136 (VCV003778136.7).